The following is an entry in ClinVar:

ClinVar aggregate classification (germline): Likely benign. Review status: criteria provided, single submitter (1 of 4 stars). 2 submissions from 2 submitters: Likely benign (1). 1 of the submissions does not count toward it. Last evaluated 2025-03-18.

Conditions:
ALDOA-related disorder. Also called: ALDOA-related condition.
HNSHA due to aldolase A deficiency (GSD12). Also called: Glycogen storage disease due to aldolase A deficiency; GLYCOGEN STORAGE DISEASE XII; GSD XII; RED CELL ALDOLASE DEFICIENCY. Identifiers: Orphanet 57, MedGen C0272066, MONDO:0012747, OMIM 611881.

Allele frequency attached by ClinVar (database versions not stated): gnomAD 0.00001 and 0.00007; TOPMed 0.00002; gnomAD exomes 0.00010 and 0.00018; ExAC 0.00021; 1000 Genomes Project 30x 0.00078; 1000 Genomes Project 0.00080.
gnomAD v4.1: 149 of 1,614,188 alleles (0.0092%); highest among the groups gnomAD compares: South Asian, 0.14%; no homozygotes.

Submissions (2):

Labcorp Genetics (formerly Invitae), Labcorp
Classification: Likely benign for HNSHA due to aldolase A deficiency. Last evaluated: 2025-03-18. Review status: criteria provided, single submitter. Criteria: Invitae Variant Classification Sherloc (09022015). Collection method: clinical testing. Allele origin: germline.

PreventionGenetics, part of Exact Sciences
Classification: Likely benign for ALDOA-related condition. Last evaluated: 2019-04-25. Review status: no assertion criteria provided. Collection method: clinical testing. Allele origin: germline. Not counted in ClinVar's aggregate classification.
Comment: This variant is classified as likely benign based on ACMG/AMP sequence variant interpretation guidelines (Richards et al. 2015 PMID: 25741868, with internal and published modifications).

NM_001243177.4(ALDOA):c.720C>T (p.Ile240=)

Genes: ALDOA (aldolase, fructose-bisphosphate A; plus strand), LOC112694756 (uncharaterized LOC112694756; plus strand). Cytogenetic location: 16p11.2.
Variant type: single nucleotide variant.
Coding change: c.720C>T on transcript NM_001243177.4 (MANE Select); coding-DNA position 720, C replaced by T.
Protein change: p.Ile240=; no amino-acid change (isoleucine 240 retained).
Molecular consequence: synonymous variant. On other transcripts: 3 prime UTR variant (3).
Genome position (GRCh38, 1-based): chr16:30,069,323, C>T. VCF-style: chr16-30069323-C-T. GRCh37 (hg19) VCF-style: chr16-30080644-C-T.
Other names: NM_000034.3:c.558C>T; c.*1067C>T (NM_001365304.2, NM_001365305.2, NM_001365307.2); c.558C>T, p.Ile186= (NM_001127617.2, NM_184041.5, NM_184043.2).
Identifiers: ClinVar variation 1399594 (VCV001399594.10), dbSNP rs573479181, ClinGen allele CA8001047.